The following is an entry in ClinVar:

NM_000540.3(RYR1):c.2168-57T>G

Gene: RYR1 (ryanodine receptor 1; plus strand). Cytogenetic location: 19q13.2.
Variant type: single nucleotide variant.
Coding change: c.2168-57T>G on transcript NM_000540.3 (MANE Select); 57 bases into the intron before coding-DNA position 2168, T replaced by G.
Molecular consequence: intron variant.
Genome position (GRCh38, 1-based): chr19:38,459,089, T>G. VCF-style: chr19-38459089-T-G. GRCh37 (hg19) VCF-style: chr19-38949729-T-G.
Other names: c.2168-57T>G (NM_001042723.2).
Identifiers: ClinVar variation 133113 (VCV000133113.3), dbSNP rs4802474, ClinGen allele CA024337.

ClinVar aggregate classification (germline): Benign. Review status: criteria provided, multiple submitters, no conflicts (2 of 4 stars). 3 submissions from 3 submitters: Benign (2). 1 of the submissions does not count toward it. Last evaluated 2018-06-14.

Allele frequency attached by ClinVar (database versions not stated): 1000 Genomes Project 0.55511; 1000 Genomes Project 30x 0.55715; TOPMed 0.62458; gnomAD 0.62888.
gnomAD v4.1: 902,115 of 1,422,274 alleles (63%); highest among the groups gnomAD compares: Admixed American, 69%; 289,928 homozygotes.

Submissions (3):

GeneDx
Classification: Benign. Last evaluated: 2018-06-14. Review status: criteria provided, single submitter. Criteria: GeneDx Variant Classification (06012015). Collection method: clinical testing. Allele origin: germline. Affected: yes.
Comment: This variant is considered likely benign or benign based on one or more of the following criteria: it is a conservative change, it occurs at a poorly conserved position in the protein, it is predicted to be benign by multiple in silico algorithms, and/or has population frequency not consistent with disease.

Breakthrough Genomics
Classification: Benign. Review status: criteria provided, single submitter. Criteria: ACMG Guidelines, 2015. Collection method: not provided. Allele origin: germline. Inheritance: Autosomal recessive inheritance. Affected: yes.

RYR1 database
No classification provided. Review status: no classification provided. Collection method: not provided. Allele origin: unknown. Not counted in ClinVar's aggregate classification.